The following is an entry in ClinVar:

ClinVar aggregate classification (germline): Conflicting classifications of pathogenicity. Review status: criteria provided, conflicting classifications (1 of 4 stars). 2 submissions from 2 submitters: Likely pathogenic (1); Uncertain significance (1). Last evaluated 2026-04-28.

Conditions:
Familial thoracic aortic aneurysm and aortic dissection (TAAD). Also called: Thoracic aortic aneurysms and dissections. Identifiers: Orphanet 91387, MedGen C4707243, MONDO:0019625.
Ehlers-Danlos syndrome, type 4 (EDSVASC). Also called: Ehlers-Danlos syndrome vascular type; Ehlers Danlos syndrome, ecchymotic type; Ehlers Danlos syndrome, arterial type; Ehlers Danlos syndrome, Sack-Barabas type; Ehlers-Danlos Syndrome Type IV. Identifiers: Orphanet 286, MedGen C0268338, MONDO:0017314, OMIM 130050.

Submissions (2):

Ambry Genetics
Classification: Likely pathogenic for Familial thoracic aortic aneurysm and aortic dissection. Last evaluated: 2026-04-28. Review status: criteria provided, single submitter. Criteria: Ambry Variant Classification Scheme 2023. Collection method: clinical testing. Allele origin: germline.
Comment: The c.4097A>G (p.Q1366R) alteration is located in exon 50 (coding exon 50) of the COL3A1 gene. This alteration results from an A to G substitution at nucleotide position 4097, causing the glutamine (Q) at amino acid position 1366 to be replaced by an arginine (R). This variant was not reported in population-based cohorts in the Genome Aggregation Database (gnomAD). This amino acid position is highly conserved in available vertebrate species. This alteration is predicted to be deleterious by in silico analysis. Based on the available evidence, this alteration is classified as likely pathogenic.

Labcorp Genetics (formerly Invitae), Labcorp
Classification: Uncertain significance for Ehlers-Danlos syndrome, type 4. Last evaluated: 2022-08-10. Review status: criteria provided, single submitter. Criteria: Invitae Variant Classification Sherloc (09022015). Collection method: clinical testing. Allele origin: germline.
Comment: In summary, the available evidence is currently insufficient to determine the role of this variant in disease. Therefore, it has been classified as a Variant of Uncertain Significance. Advanced modeling of protein sequence and biophysical properties (such as structural, functional, and spatial information, amino acid conservation, physicochemical variation, residue mobility, and thermodynamic stability) performed at Invitae indicates that this missense variant is expected to disrupt COL3A1 protein function. This variant has not been reported in the literature in individuals affected with COL3A1-related conditions. This variant is not present in population databases (gnomAD no frequency). This sequence change replaces glutamine, which is neutral and polar, with arginine, which is basic and polar, at codon 1366 of the COL3A1 protein (p.Gln1366Arg).

NM_000090.4(COL3A1):c.4097A>G (p.Gln1366Arg)

Gene: COL3A1 (collagen type III alpha 1 chain; plus strand). Cytogenetic location: 2q32.2.
Variant type: single nucleotide variant.
Coding change: c.4097A>G on transcript NM_000090.4 (MANE Select); coding-DNA position 4097, A replaced by G.
Protein change: p.Gln1366Arg; replaces glutamine 1366 with arginine.
Molecular consequence: missense variant.
Genome position (GRCh38, 1-based): chr2:189,010,733, A>G. VCF-style: chr2-189010733-A-G. GRCh37 (hg19) VCF-style: chr2-189875459-A-G.
Other names: short protein forms Q1366R.
Identifiers: ClinVar variation 1716012 (VCV001716012.8), dbSNP rs2469170400, ClinGen allele CA349849375.